The following is an entry in ClinVar:

NM_006361.6(HOXB13):c.364A>G (p.Ser122Gly)

Gene: HOXB13 (homeobox B13; minus strand). Cytogenetic location: 17q21.32.
Variant type: single nucleotide variant.
Coding change: c.364A>G on transcript NM_006361.6 (MANE Select); coding-DNA position 364, A replaced by G.
Protein change: p.Ser122Gly; replaces serine 122 with glycine.
Molecular consequence: missense variant.
Genome position (GRCh38, 1-based): chr17:48,728,230, T>C on the plus strand (A>G on the coding strand, the complement: HOXB13 is on the minus strand). VCF-style: chr17-48728230-T-C. GRCh37 (hg19) VCF-style: chr17-46805592-T-C.
Other names: short protein forms S122G.
Identifiers: ClinVar variation 2747061 (VCV002747061.3), dbSNP rs2509515212, ClinGen allele CA400107614.

ClinVar aggregate classification (germline): Uncertain significance (1 of 4 stars; one submission).

Submission:

Labcorp Genetics (formerly Invitae), Labcorp
Classification: Uncertain significance. Last evaluated: 2023-07-26. Review status: criteria provided, single submitter. Criteria: Invitae Variant Classification Sherloc (09022015). Collection method: clinical testing. Allele origin: germline.
Comment: This sequence change replaces serine, which is neutral and polar, with glycine, which is neutral and non-polar, at codon 122 of the HOXB13 protein (p.Ser122Gly). This variant is not present in population databases (gnomAD no frequency). This variant has not been reported in the literature in individuals affected with HOXB13-related conditions. Advanced modeling of protein sequence and biophysical properties (such as structural, functional, and spatial information, amino acid conservation, physicochemical variation, residue mobility, and thermodynamic stability) performed at Invitae indicates that this missense variant is not expected to disrupt HOXB13 protein function. In summary, the available evidence is currently insufficient to determine the role of this variant in disease. Therefore, it has been classified as a Variant of Uncertain Significance.